The following is an entry in ClinVar:

ClinVar aggregate classification (germline): Uncertain significance (1 of 4 stars; one submission).

Conditions:
Complement component 3 deficiency. Identifiers: Orphanet 280133, MedGen C3151071, MONDO:0013417, OMIM 613779.
C3 glomerulonephritis. Also called: Nephropathy due to CFHR5 Deficiency; C3 GLOMERULOPATHY 3. Identifiers: Orphanet 329931, MedGen C4055342, MONDO:0013892, OMIM 614809.
Atypical hemolytic-uremic syndrome. Identifiers: Orphanet 2134, MedGen C2931788, MONDO:0016244.

Submission:

Genomenon, Inc
Classification: Uncertain significance for Complement component 3 deficiency; C3 glomerulonephritis; Atypical hemolytic-uremic syndrome. Last evaluated: 2025-09-30. Review status: criteria provided, single submitter. Criteria: Genomenon Sequence Variant Interpretation Standards. Collection method: curation. Allele origin: germline. Affected: no.
Comment: C3 p.Glu769Ala (c.2306A>C) is a missense variant that changes the amino acid at residue 769 from Glutamic acid to Alanine. This variant has been reported in the published literature (PMID:9988761). It is absent or not present at a significant frequency in gnomAD. In silico models agree that this variant is not damaging. In conclusion, we classify C3 p.Glu769Ala (c.2306A>C) as a variant of unknown significance.

Literature cited by the submitters: PubMed 9988761.

NM_000064.4(C3):c.2306A>C (p.Glu769Ala)

Gene: C3 (complement C3; minus strand). Cytogenetic location: 19p13.3.
Variant type: single nucleotide variant.
Coding change: c.2306A>C on transcript NM_000064.4 (MANE Select); coding-DNA position 2306, A replaced by C.
Protein change: p.Glu769Ala; replaces glutamic acid 769 with alanine.
Molecular consequence: missense variant.
Genome position (GRCh38, 1-based): chr19:6,702,519, T>G on the plus strand (A>C on the coding strand, the complement: C3 is on the minus strand). VCF-style: chr19-6702519-T-G. GRCh37 (hg19) VCF-style: chr19-6702530-T-G.
Other names: short protein forms E769A.
Identifiers: ClinVar variation 4280160 (VCV004280160.1).
Genomic context (GRCh38, chr19:6,702,519, plus strand): 5'-CCCCGGCCTTACCCATTTTTCGGTGGCTCTTTCAAGTCCTCAACGTTCCACAGCCAGCTC[T>G]CTGGGAACTCACTTCGGGAAACGATGTTCTCTTCTGCAATGATGTCCTCATCCAGGTTAC-3'
Protein context (NP_000055.2, residues 759-779): ENIVSRSEFP[Glu769Ala]SWLWNVEDLK